The following is an entry in ClinVar:

ClinVar aggregate classification (germline): Uncertain significance (1 of 4 stars; one submission).

Conditions:
Cardiovascular phenotype. Identifiers: MedGen CN230736.

Submission:

Ambry Genetics
Classification: Uncertain significance for Cardiovascular phenotype. Last evaluated: 2024-12-02. Review status: criteria provided, single submitter. Criteria: Ambry Variant Classification Scheme 2023. Collection method: clinical testing. Allele origin: germline.
Comment: The p.H360Q variant (also known as c.1080T>A), located in coding exon 7 of the CBL gene, results from a T to A substitution at nucleotide position 1080. The histidine at codon 360 is replaced by glutamine, an amino acid with highly similar properties. This amino acid position is conserved. In addition, this alteration is predicted to be deleterious by in silico analysis. Based on the available evidence, the clinical significance of this variant remains unclear.

NM_005188.4(CBL):c.1080T>A (p.His360Gln)

Gene: CBL (Cbl proto-oncogene; plus strand). Cytogenetic location: 11q23.3.
Variant type: single nucleotide variant.
Coding change: c.1080T>A on transcript NM_005188.4 (MANE Select); coding-DNA position 1080, T replaced by A.
Protein change: p.His360Gln; replaces histidine 360 with glutamine.
Molecular consequence: missense variant.
Genome position (GRCh38, 1-based): chr11:119,277,829, T>A. VCF-style: chr11-119277829-T-A. GRCh37 (hg19) VCF-style: chr11-119148539-T-A.
Other names: short protein forms H360Q.
Identifiers: ClinVar variation 3485627 (VCV003485627.1).